The following is an entry in ClinVar:

NM_000231.3(SGCG):c.-88G>A

Gene: SGCG (sarcoglycan gamma; plus strand). Cytogenetic location: 13q12.12.
Variant type: single nucleotide variant.
Coding change: c.-88G>A on transcript NM_000231.3 (MANE Select); 88 bases upstream of the start codon, G replaced by A.
Molecular consequence: 5 prime UTR variant. On other transcripts: intron variant (2).
Genome position (GRCh38, 1-based): chr13:23,180,988, G>A. VCF-style: chr13-23180988-G-A. GRCh37 (hg19) VCF-style: chr13-23755127-G-A.
Other names: c.-239G>A (NM_001378246.1); c.54+20342G>A (NM_001378244.1); c.-152+5G>A (NM_001378245.1).
Identifiers: ClinVar variation 311478 (VCV000311478.7), dbSNP rs4770403, ClinGen allele CA10643985.

ClinVar aggregate classification (germline): Benign/Likely benign. Review status: criteria provided, multiple submitters, no conflicts (2 of 4 stars). 3 submissions from 3 submitters: Benign (2); Likely benign (1). Last evaluated 2019-11-19.

Conditions:
Sarcoglycanopathy. Identifiers: Orphanet 207052, MedGen C2936331, MONDO:0016140.

Allele frequency attached by ClinVar (database versions not stated): 1000 Genomes Project 30x 0.12336; 1000 Genomes Project 0.12520; TOPMed 0.14835; gnomAD 0.14924 and 0.15108; gnomAD exomes 0.25000.
gnomAD v4.1: 22,906 of 152,152 alleles (15%); highest among the groups gnomAD compares: Non-Finnish European, 19%; 1,846 homozygotes.

Submissions (3):

GeneDx
Classification: Benign. Last evaluated: 2019-11-19. Review status: criteria provided, single submitter. Criteria: GeneDx Variant Classification Process June 2021. Collection method: clinical testing. Allele origin: germline. Affected: yes.

Illumina Laboratory Services, Illumina
Classification: Benign for Sarcoglycanopathy. Last evaluated: 2018-01-12. Review status: criteria provided, single submitter. Criteria: ICSL Variant Classification Criteria 13 December 2019. Collection method: clinical testing. Allele origin: germline.
Comment: This variant was observed in the ICSL laboratory as part of a predisposition screen in an ostensibly healthy population. It had not been previously curated by ICSL or reported in the Human Gene Mutation Database (HGMD: prior to June 1st, 2018), and was therefore a candidate for classification through an automated scoring system. Utilizing variant allele frequency, disease prevalence and penetrance estimates, and inheritance mode, an automated score was calculated to assess if this variant is too frequent to cause the disease. Based on the score and internal cut-off values, a variant classified as benign is not then subjected to further curation. The score for this variant resulted in a classification of benign for this disease.

Breakthrough Genomics
Classification: Likely benign. Review status: criteria provided, single submitter. Criteria: ACMG Guidelines, 2015. Collection method: not provided. Allele origin: germline. Inheritance: Autosomal recessive inheritance. Affected: yes.